The following is an entry in ClinVar:

ClinVar aggregate classification (germline): Uncertain significance (1 of 4 stars; one submission).

Conditions:
Distal myopathy with posterior leg and anterior hand involvement. Also called: WILLIAMS DISTAL MYOPATHY. Identifiers: Orphanet 63273, MedGen C3279722, MONDO:0013550, OMIM 614065.
Hypertrophic cardiomyopathy 26. Also called: Cardiomyopathy, familial hypertrophic, 26. Identifiers: Orphanet 75249, MedGen C4310749, MONDO:0014883, OMIM 617047.
Myofibrillar myopathy 5. Also called: Filaminopathy (type); FILAMINOPATHY, AUTOSOMAL DOMINANT. Identifiers: Orphanet 171445, MedGen C1836050, MONDO:0012289, OMIM 609524.

Submission:

Labcorp Genetics (formerly Invitae), Labcorp
Classification: Uncertain significance for Distal myopathy with posterior leg and anterior hand involvement; Myofibrillar myopathy 5; Hypertrophic cardiomyopathy 26. Last evaluated: 2024-10-17. Review status: criteria provided, single submitter. Criteria: Invitae Variant Classification Sherloc (09022015). Collection method: clinical testing. Allele origin: germline.
Comment: This sequence change replaces isoleucine, which is neutral and non-polar, with methionine, which is neutral and non-polar, at codon 1845 of the FLNC protein (p.Ile1845Met). This variant is not present in population databases (gnomAD no frequency). This variant has not been reported in the literature in individuals affected with FLNC-related conditions. Invitae Evidence Modeling of protein sequence and biophysical properties (such as structural, functional, and spatial information, amino acid conservation, physicochemical variation, residue mobility, and thermodynamic stability) has been performed for this missense variant. However, the output from this modeling did not meet the statistical confidence thresholds required to predict the impact of this variant on FLNC protein function. In summary, the available evidence is currently insufficient to determine the role of this variant in disease. Therefore, it has been classified as a Variant of Uncertain Significance.

NM_001458.5(FLNC):c.5535C>G (p.Ile1845Met)

Genes: FLNC (filamin C; plus strand), FLNC-AS1 (FLNC antisense RNA 1; minus strand). Cytogenetic location: 7q32.1.
Variant type: single nucleotide variant.
Coding change: c.5535C>G on transcript NM_001458.5 (MANE Select); coding-DNA position 5535, C replaced by G.
Protein change: p.Ile1845Met; replaces isoleucine 1845 with methionine.
Molecular consequence: missense variant.
Genome position (GRCh38, 1-based): chr7:128,850,939, C>G. VCF-style: chr7-128850939-C-G. GRCh37 (hg19) VCF-style: chr7-128490993-C-G.
Other names: c.5436C>G, p.Ile1812Met (NM_001127487.2); short protein forms I1812M, I1845M.
Identifiers: ClinVar variation 3758964 (VCV003758964.2).